The following is an entry in ClinVar:

ClinVar aggregate classification (germline): Uncertain significance (1 of 4 stars; one submission).

Submission:

Labcorp Genetics (formerly Invitae), Labcorp
Classification: Uncertain significance. Last evaluated: 2024-11-03. Review status: criteria provided, single submitter. Criteria: Invitae Variant Classification Sherloc (09022015). Collection method: clinical testing. Allele origin: germline.
Comment: This sequence change replaces isoleucine, which is neutral and non-polar, with leucine, which is neutral and non-polar, at codon 541 of the HIVEP2 protein (p.Ile541Leu). This variant is not present in population databases (gnomAD no frequency). This variant has not been reported in the literature in individuals affected with HIVEP2-related conditions. ClinVar contains an entry for this variant (Variation ID: 2871460). Invitae Evidence Modeling of protein sequence and biophysical properties (such as structural, functional, and spatial information, amino acid conservation, physicochemical variation, residue mobility, and thermodynamic stability) indicates that this missense variant is not expected to disrupt HIVEP2 protein function with a negative predictive value of 80%. In summary, the available evidence is currently insufficient to determine the role of this variant in disease. Therefore, it has been classified as a Variant of Uncertain Significance.

NM_006734.4(HIVEP2):c.1621A>C (p.Ile541Leu)

Gene: HIVEP2 (HIVEP zinc finger 2; minus strand). Cytogenetic location: 6q24.2.
Variant type: single nucleotide variant.
Coding change: c.1621A>C on transcript NM_006734.4 (MANE Select); coding-DNA position 1621, A replaced by C.
Protein change: p.Ile541Leu; replaces isoleucine 541 with leucine.
Molecular consequence: missense variant.
Genome position (GRCh38, 1-based): chr6:142,773,118, T>G on the plus strand (A>C on the coding strand, the complement: HIVEP2 is on the minus strand). VCF-style: chr6-142773118-T-G. GRCh37 (hg19) VCF-style: chr6-143094255-T-G.
Other names: short protein forms I541L.
Identifiers: ClinVar variation 2871460 (VCV002871460.3), dbSNP rs1226741736, ClinGen allele CA365912961.
Genomic context (GRCh38, chr6:142,773,118, plus strand): 5'-TCAAAGAAGGAGGAATAGTTAGATTAGTTGCTGAAGAAGTTGGCACTGAGTTGCTTCTAA[T>G]AAGGGGTGAAGAGTCTACAGGAGCTTCTAAGAGAACCGGGTTGCTGCCTTGGAAGTTTGC-3'
Protein context (NP_006725.3, residues 531-551): LEAPVDSSPL[Ile541Leu]RSNSVPTSSA